The following is an entry in ClinVar:

NM_024675.4(PALB2):c.813T>C (p.Ser271=)

Gene: PALB2 (partner and localizer of BRCA2; minus strand). Cytogenetic location: 16p12.2.
Variant type: single nucleotide variant.
Coding change: c.813T>C on transcript NM_024675.4 (MANE Select); coding-DNA position 813, T replaced by C.
Protein change: p.Ser271=; no amino-acid change (serine 271 retained).
Molecular consequence: synonymous variant. On other transcripts: 5 prime UTR variant (8), intron variant (3).
Genome position (GRCh38, 1-based): chr16:23,635,733, A>G on the plus strand (T>C on the coding strand, the complement: PALB2 is on the minus strand). VCF-style: chr16-23635733-A-G. GRCh37 (hg19) VCF-style: chr16-23647054-A-G.
Other names: c.753T>C, p.Ser251= (NM_001407296.1); c.813T>C, p.Ser271= (NM_001407297.1, NM_001407298.1, NM_001407299.1 and 3 more transcripts); c.-73T>C (NM_001407304.1, NM_001407305.1, NM_001407306.1 and 5 more transcripts); c.48+5377T>C (NM_001407314.1); c.-104-5264T>C (NM_001407313.1, NM_001407312.1).
Identifiers: ClinVar variation 3904113 (VCV003904113.1).

ClinVar aggregate classification (germline): Benign (1 of 4 stars; one submission).

Conditions:
Familial cancer of breast. Also called: Hereditary breast cancer; hereditary breast carcinoma; BREAST CANCER, FAMILIAL. Identifiers: Orphanet 227535, MedGen C0346153, MONDO:0016419, OMIM 114480. Disease mechanism: loss of function.

Submission:

Myriad Genetics, Inc.
Classification: Benign for Familial cancer of breast. Last evaluated: 2025-01-10. Review status: criteria provided, single submitter. Criteria: Myriad Autosomal Dominant, Autosomal Recessive and X-Linked Classification Criteria (2023). Collection method: clinical testing. Allele origin: unknown.
Comment: This variant is considered benign. This variant is a silent/synonymous amino acid change and it is not expected to impact splicing.